The following is an entry in ClinVar:

NM_001267550.2(TTN):c.30511+3G>A

Gene: TTN (titin; minus strand). Cytogenetic location: 2q31.2.
Variant type: single nucleotide variant.
Coding change: c.30511+3G>A on transcript NM_001267550.2 (MANE Select); 3 bases into the intron after coding-DNA position 30511, G replaced by A.
Molecular consequence: intron variant.
Genome position (GRCh38, 1-based): chr2:178,702,165, C>T on the plus strand (G>A on the coding strand, the complement: TTN is on the minus strand). VCF-style: chr2-178702165-C-T. GRCh37 (hg19) VCF-style: chr2-179566892-C-T.
Other names: c.30511+3G>A (NM_001267550.1); c.13282+35917G>A (NM_003319.4); c.13858+35917G>A (NM_133437.4); c.13657+35917G>A (NM_133432.3); c.26779+3G>A (NM_133378.4); c.29560+3G>A (NM_001256850.1).
Identifiers: ClinVar variation 378809 (VCV000378809.50), dbSNP rs563582627, ClinGen allele CA1999153.

ClinVar aggregate classification (germline): Conflicting classifications of pathogenicity. Review status: criteria provided, conflicting classifications (1 of 4 stars). 16 submissions from 12 submitters: Uncertain significance (10); Benign (3); Likely benign (3). Last evaluated 2025-06-11.

Conditions:
TTN-related disorder. Also called: TTN-related condition; TTN-related disease; TTN-related disorders.
Early-onset myopathy with fatal cardiomyopathy (CMYO5). Also called: CONGENITAL MYOPATHY 5 WITH CARDIOMYOPATHY; Salih Myopathy. Identifiers: Orphanet 289377, MedGen C2673677, MONDO:0012714, OMIM 611705. Disease mechanism: loss of function.
Tibial muscular dystrophy (TMD). Also called: UDD MYOPATHY; Udd Distal Myopathy – Tibial Muscular Dystrophy; Tibial muscular dystrophy, tardive. Identifiers: Orphanet 609, MedGen C1838244, MONDO:0010870, OMIM 600334.
Dilated cardiomyopathy 1G (CMD1G). Identifiers: Orphanet 154, MedGen C1858763, MONDO:0011400, OMIM 604145.
Hypertrophic cardiomyopathy 9. Also called: Familial hypertrophic cardiomyopathy 9. Identifiers: MedGen C1861065, MONDO:0013412, OMIM 613765.
Myopathy, myofibrillar, 9, with early respiratory failure (MFM9). Also called: Hereditary myopathy with early respiratory failure; MYOPATHY, PROXIMAL, WITH EARLY RESPIRATORY MUSCLE INVOLVEMENT; Myopathy, distal, with early respiratory failure, autosomal dominant; EDSTROM MYOPATHY. Identifiers: Orphanet 178464, Orphanet 34521, MedGen C1863599, MONDO:0011362, OMIM 603689.
Autosomal recessive limb-girdle muscular dystrophy type 2J (LGMDR10). Also called: MUSCULAR DYSTROPHY, LIMB-GIRDLE, AUTOSOMAL RECESSIVE 10; Limb-girdle muscular dystrophy, type 2J. Identifiers: Orphanet 140922, MedGen C1837342, MONDO:0012127, OMIM 608807.
Cardiomyopathy (CMYO). Also called: Cardiomyopathies. Identifiers: Orphanet 167848, MedGen C0878544, MONDO:0004994, HP:0001638. Inheritance: Various modes of inheritance.

Allele frequency attached by ClinVar (database versions not stated): gnomAD exomes 0.00014 and 0.00020; gnomAD 0.00017 and 0.00018; TOPMed 0.00019; ExAC 0.00010.
gnomAD v4.1: 325 of 1,613,970 alleles (0.02%); highest among the groups gnomAD compares: South Asian, 0.025%; 1 homozygote.

Submissions (16):

ARUP Laboratories, Molecular Genetics and Genomics, ARUP Laboratories
Classification: Likely benign. Last evaluated: 2025-06-11. Review status: criteria provided, single submitter. Criteria: ARUP Molecular Germline Variant Investigation Process 2024. Collection method: clinical testing. Allele origin: germline.

PreventionGenetics, part of Exact Sciences
Classification: Likely benign for TTN-related condition. Last evaluated: 2025-03-26. Review status: criteria provided, single submitter. Criteria: ACMG Guidelines, 2015. Collection method: clinical testing. Allele origin: germline.
Comment: This variant is classified as likely benign based on ACMG/AMP sequence variant interpretation guidelines (Richards et al. 2015 PMID: 25741868, with internal and published modifications).

Athena Diagnostics
Classification: Uncertain significance. Last evaluated: 2025-03-24. Review status: criteria provided, single submitter. Criteria: Athena Diagnostics Criteria. Collection method: clinical testing. Allele origin: unknown.
Comment: Available data are insufficient to determine the clinical significance of the variant at this time. The frequency of this variant in the general population is uninformative in assessment of its pathogenicity. Computational tools yielded predictions that this variant is unlikely to have an effect on normal RNA splicing.

Fulgent Genetics
Classification: Uncertain significance for Tibial muscular dystrophy; Myopathy, myofibrillar, 9, with early respiratory failure; Dilated cardiomyopathy 1G; Autosomal recessive limb-girdle muscular dystrophy type 2J; Early-onset myopathy with fatal cardiomyopathy; Hypertrophic cardiomyopathy 9. Last evaluated: 2024-03-18. Review status: criteria provided, single submitter. Criteria: ACMG Guidelines, 2015. Collection method: clinical testing. Allele origin: germline.

Revvity Omics, Revvity
Classification: Uncertain significance. Last evaluated: 2023-11-22. Review status: criteria provided, single submitter. Criteria: ACMG Guidelines, 2015. Collection method: clinical testing. Allele origin: germline.

CeGaT Center for Human Genetics Tuebingen
Classification: Likely benign. Last evaluated: 2023-04-01. Review status: criteria provided, single submitter. Criteria: CeGaT Center For Human Genetics Tuebingen Variant Classification Criteria Version 2. Collection method: clinical testing. Allele origin: germline. Affected: yes. Observed: 1 variant allele.
Comment: TTN: BP4

CHEO Genetics Diagnostic Laboratory, Children's Hospital of Eastern Ontario
Classification: Uncertain significance for Cardiomyopathy. Last evaluated: 2021-04-21. Review status: criteria provided, single submitter. Criteria: ACMG Guidelines, 2015. Collection method: clinical testing. Allele origin: germline. Study: Canadian Open Genetics Repository.

Laboratory for Molecular Medicine, Mass General Brigham Personalized Medicine
Classification: Uncertain significance. Last evaluated: 2018-06-06. Review status: criteria provided, single submitter. Criteria: LMM Criteria. Collection method: clinical testing. Allele origin: germline. Observed: 2 variant alleles.
Comment: Variant classified as Uncertain Significance - Favor Benign. The c.26779+3G>A va riant in TTN has not been previously reported in individuals with cardiomyopathy , but has been identified in 0.02% (7/30782) of South Asian chromosomes by the Genome Aggregation Database (gnomAD; dbSNP rs5 63582627). This variant is located in the 5' splice region. Computational tools do suggest an impact to splicing; however, this information is not predictive en ough to determine pathogenicity. In summary, while the clinical significance of the c.26779+3G>A variant is uncertain, its frequency suggests that it is more l ikely to be benign. ACMG/AMP Criteria applied: BS1; PP3.

Illumina Laboratory Services, Illumina
Classification: Benign for Myopathy, myofibrillar, 9, with early respiratory failure. Last evaluated: 2018-01-12. Review status: criteria provided, single submitter. Criteria: ICSL Variant Classification Criteria 13 December 2019. Collection method: clinical testing. Allele origin: germline.
Comment: This variant was observed in the ICSL laboratory as part of a predisposition screen in an ostensibly healthy population. It had not been previously curated by ICSL or reported in the Human Gene Mutation Database (HGMD: prior to June 1st, 2018), and was therefore a candidate for classification through an automated scoring system. Utilizing variant allele frequency, disease prevalence and penetrance estimates, and inheritance mode, an automated score was calculated to assess if this variant is too frequent to cause the disease. Based on the score and internal cut-off values, a variant classified as benign is not then subjected to further curation. The score for this variant resulted in a classification of benign for this disease.

Illumina Laboratory Services, Illumina
Classification: Uncertain significance for Early-onset myopathy with fatal cardiomyopathy. Last evaluated: 2018-01-12. Review status: criteria provided, single submitter. Criteria: ICSL Variant Classification Criteria 13 December 2019. Collection method: clinical testing. Allele origin: germline.

Illumina Laboratory Services, Illumina
Classification: Benign for Tibial muscular dystrophy. Last evaluated: 2018-01-12. Review status: criteria provided, single submitter. Criteria: ICSL Variant Classification Criteria 13 December 2019. Collection method: clinical testing. Allele origin: germline.
Comment: the same text as in the submission from Illumina Laboratory Services, Illumina above.

Illumina Laboratory Services, Illumina
Classification: Uncertain significance for Dilated cardiomyopathy 1G. Last evaluated: 2018-01-12. Review status: criteria provided, single submitter. Criteria: ICSL Variant Classification Criteria 13 December 2019. Collection method: clinical testing. Allele origin: germline.

Illumina Laboratory Services, Illumina
Classification: Uncertain significance for Autosomal recessive limb-girdle muscular dystrophy type 2J. Last evaluated: 2018-01-12. Review status: criteria provided, single submitter. Criteria: ICSL Variant Classification Criteria 13 December 2019. Collection method: clinical testing. Allele origin: germline.

Labcorp Genetics (formerly Invitae), Labcorp
Classification: Uncertain significance for Dilated cardiomyopathy 1G; Autosomal recessive limb-girdle muscular dystrophy type 2J. Last evaluated: 2017-10-12. Review status: criteria provided, single submitter. Criteria: Invitae Variant Classification Sherloc (09022015). Collection method: clinical testing. Allele origin: germline.

Eurofins Ntd Llc (ga)
Classification: Uncertain significance. Last evaluated: 2017-08-22. Review status: criteria provided, single submitter. Criteria: EGL Classification Definitions 2015. Collection method: clinical testing. Allele origin: germline. Observed: 1 variant allele, 1 heterozygote.

GeneDx
Classification: Benign. Last evaluated: 2015-03-31. Review status: criteria provided, single submitter. Criteria: GeneDx Variant Classification (06012015). Collection method: clinical testing. Allele origin: germline. Affected: yes.
Comment: This variant is considered likely benign or benign based on one or more of the following criteria: it is a conservative change, it occurs at a poorly conserved position in the protein, it is predicted to be benign by multiple in silico algorithms, and/or has population frequency not consistent with disease.